The following is an entry in ClinVar:

ClinVar aggregate classification (germline): Likely benign (1 of 4 stars; one submission).

Allele frequency attached by ClinVar (database versions not stated): gnomAD exomes 0.00014; ExAC 0.02275.

Submission:

CeGaT Center for Human Genetics Tuebingen
Classification: Likely benign. Last evaluated: 2023-07-01. Review status: criteria provided, single submitter. Criteria: CeGaT Center For Human Genetics Tuebingen Variant Classification Criteria Version 2. Collection method: clinical testing. Allele origin: germline. Affected: yes. Observed: 1 variant allele.
Comment: AHNAK2: BP4, BP7, BS2

NM_138420.4(AHNAK2):c.6403C>T (p.Leu2135=)

Gene: AHNAK2 (AHNAK nucleoprotein 2; minus strand). Cytogenetic location: 14q32.33.
Variant type: single nucleotide variant.
Coding change: c.6403C>T on transcript NM_138420.4 (MANE Select); coding-DNA position 6403, C replaced by T.
Protein change: p.Leu2135=; no amino-acid change (leucine 2135 retained).
Molecular consequence: synonymous variant.
Genome position (GRCh38, 1-based): chr14:104,949,048, G>A on the plus strand (C>T on the coding strand, the complement: AHNAK2 is on the minus strand). VCF-style: chr14-104949048-G-A. GRCh37 (hg19) VCF-style: chr14-105415385-G-A.
Other names: c.6103C>T, p.Leu2035= (NM_001350929.2).
Identifiers: ClinVar variation 2644741 (VCV002644741.24), dbSNP rs769177725, ClinGen allele CA7381176.